The following is an entry in ClinVar:

ClinVar aggregate classification (germline): Benign. Review status: criteria provided, multiple submitters, no conflicts (2 of 4 stars). 10 submissions from 10 submitters: Benign (7). 3 of the submissions do not count toward it. Last evaluated 2024-11-28.

Conditions:
Glutaric aciduria, type 1. Also called: Glutaricacidemia Type 1; Glutaric acidemia type I; Glutaryl-CoA dehydrogenase deficiency; Glutaricaciduria, type I; Glutaric Acidemia Type 1; GA I. Identifiers: Orphanet 25, MedGen C0268595, MONDO:0009281, OMIM 231670.

Allele frequency attached by ClinVar (database versions not stated): gnomAD exomes 0.57516 and 0.61156; ExAC 0.61302; ESP Exome Variant Server 0.63889; gnomAD 0.64188 and 0.64454; TOPMed 0.66271; 1000 Genomes Project 0.72045; 1000 Genomes Project 30x 0.72502.
gnomAD v4.1: 937,823 of 1,611,108 alleles (58%); highest among the groups gnomAD compares: East Asian, 82%; 279,524 homozygotes.

Submissions (10):

Blueprint Genetics
Classification: Benign. Last evaluated: 2024-11-28. Review status: criteria provided, single submitter. Criteria: ACMG Guidelines, 2015. Collection method: clinical testing. Allele origin: germline.

Department of Pathology and Laboratory Medicine, Sinai Health System
Classification: Benign for Glutaric aciduria, type 1. Last evaluated: 2023-04-24. Review status: criteria provided, single submitter. Criteria: ACMG Guidelines, 2015. Collection method: research. Allele origin: germline.

Molecular Genetics, Royal Melbourne Hospital
Classification: Benign for Glutaric aciduria, type 1. Last evaluated: 2021-10-04. Review status: criteria provided, single submitter. Criteria: ACMG Guidelines, 2015. Collection method: clinical testing. Allele origin: germline. Affected: no.
Comment: Population allele frequency is 61% (rs8012, 172,594/281,206 alleles, 54,766 homozygotes in gnomAD v2.1). Based on the classification scheme RMH ACMG Guidelines v1.1.1, this variant is classified as Benign. Following criteria met: BA1

Genome-Nilou Lab
Classification: Benign for Glutaric aciduria, type 1. Last evaluated: 2021-06-10. Review status: criteria provided, single submitter. Criteria: ACMG Guidelines, 2015. Collection method: clinical testing. Allele origin: germline. Affected: no.

Mendelics
Classification: Benign for Glutaric aciduria, type 1. Last evaluated: 2019-05-28. Review status: criteria provided, single submitter. Criteria: Mendelics Assertion Criteria 2017. Collection method: clinical testing. Allele origin: unknown.

GeneDx
Classification: Benign. Last evaluated: 2015-03-03. Review status: criteria provided, single submitter. Criteria: GeneDx Variant Classification Process June 2021. Collection method: clinical testing. Allele origin: germline. Affected: yes.

Breakthrough Genomics
Classification: Benign. Review status: criteria provided, single submitter. Criteria: ACMG Guidelines, 2015. Collection method: not provided. Allele origin: germline. Inheritance: Autosomal recessive inheritance. Affected: yes.

National Institute of Mental Health and Neurosciences
Classification: Likely pathogenic for GLUTARIC ACIDEMIA I. Last evaluated: 2015-04-13. Review status: no assertion criteria provided. Collection method: research. Allele origin: germline. Affected: no. Observed: 2 variant alleles, 2 heterozygotes. Not counted in ClinVar's aggregate classification.

Clinical Genetics, Academic Medical Center
Classification: Benign. Review status: no assertion criteria provided. Collection method: clinical testing. Allele origin: germline. Affected: yes. Study: VKGL Data-share Consensus. Not counted in ClinVar's aggregate classification.

Diagnostic Laboratory, Department of Genetics, University Medical Center Groningen
Classification: Benign for Glutaric aciduria, type 1. Review status: no assertion criteria provided. Collection method: clinical testing. Allele origin: germline. Affected: yes. Study: VKGL Data-share Consensus. Not counted in ClinVar's aggregate classification.

NM_000159.4(GCDH):c.*165A>G

Genes: SYCE2 (synaptonemal complex central element protein 2; minus strand), GCDH (glutaryl-CoA dehydrogenase; plus strand), LOC126862860 (BRD4-independent group 4 enhancer GRCh37_chr19:13010146-13011345; plus strand). Cytogenetic location: 19p13.13.
Variant type: single nucleotide variant.
Coding change: c.*165A>G on transcript NM_000159.4 (MANE Select); 165 bases downstream of the stop codon, A replaced by G.
Molecular consequence: 3 prime UTR variant. On other transcripts: missense variant (1), non-coding transcript variant (2), intron variant (1).
Genome position (GRCh38, 1-based): chr19:12,899,706, A>G. VCF-style: chr19-12899706-A-G. GRCh37 (hg19) VCF-style: chr19-13010520-A-G.
Other names: c.1250A>G, p.Gln417Arg (NM_013976.5); c.612+298T>C (NM_001105578.2); short protein forms Q417R.
Identifiers: ClinVar variation 208504 (VCV000208504.17), dbSNP rs8012, ClinGen allele CA275977.